The following is an entry in ClinVar:

ClinVar aggregate classification (germline): Uncertain significance (1 of 4 stars; one submission).

Conditions:
Perlman syndrome (PRLMNS). Identifiers: Orphanet 2849, MedGen C0796113, MONDO:0009965, OMIM 267000.

Allele frequency attached by ClinVar (database versions not stated): TOPMed below 0.00001; gnomAD exomes 0.00001.
gnomAD v4.1: 12 of 1,550,392 alleles (0.00077%); highest among the groups gnomAD compares: South Asian, 0.0024%; no homozygotes.

Submission:

Labcorp Genetics (formerly Invitae), Labcorp
Classification: Uncertain significance for Perlman syndrome. Last evaluated: 2024-09-23. Review status: criteria provided, single submitter. Criteria: Invitae Variant Classification Sherloc (09022015). Collection method: clinical testing. Allele origin: germline.
Comment: This sequence change replaces alanine, which is neutral and non-polar, with threonine, which is neutral and polar, at codon 801 of the DIS3L2 protein (p.Ala801Thr). This variant is present in population databases (no rsID available, gnomAD 0.002%). This variant has not been reported in the literature in individuals affected with DIS3L2-related conditions. ClinVar contains an entry for this variant (Variation ID: 531951). Invitae Evidence Modeling of protein sequence and biophysical properties (such as structural, functional, and spatial information, amino acid conservation, physicochemical variation, residue mobility, and thermodynamic stability) indicates that this missense variant is not expected to disrupt DIS3L2 protein function with a negative predictive value of 80%. RNA analysis performed to evaluate the impact of this missense change on mRNA splicing indicates it does not significantly alter splicing (internal data). In summary, the available evidence is currently insufficient to determine the role of this variant in disease. Therefore, it has been classified as a Variant of Uncertain Significance.

NM_152383.5(DIS3L2):c.2401G>A (p.Ala801Thr)

Gene: DIS3L2 (DIS3 like 3'-5' exoribonuclease 2; plus strand). Cytogenetic location: 2q37.1.
Variant type: single nucleotide variant.
Coding change: c.2401G>A on transcript NM_152383.5 (MANE Select); coding-DNA position 2401, G replaced by A.
Protein change: p.Ala801Thr; replaces alanine 801 with threonine.
Molecular consequence: missense variant. On other transcripts: non-coding transcript variant (2), intron variant (1).
Genome position (GRCh38, 1-based): chr2:232,335,779, G>A. VCF-style: chr2-232335779-G-A. GRCh37 (hg19) VCF-style: chr2-233200489-G-A.
Other names: c.1582-7566G>A (NM_001257281.2); short protein forms A801T.
Identifiers: ClinVar variation 531951 (VCV000531951.8), dbSNP rs1359847466, ClinGen allele CA350978148.